The following is an entry in ClinVar:

NM_004415.4(DSP):c.1417C>A (p.Gln473Lys)

Gene: DSP (desmoplakin; plus strand). Cytogenetic location: 6p24.3.
Variant type: single nucleotide variant.
Coding change: c.1417C>A on transcript NM_004415.4 (MANE Select); coding-DNA position 1417, C replaced by A.
Protein change: p.Gln473Lys; replaces glutamine 473 with lysine.
Molecular consequence: missense variant.
Genome position (GRCh38, 1-based): chr6:7,568,587, C>A. VCF-style: chr6-7568587-C-A. GRCh37 (hg19) VCF-style: chr6-7568820-C-A.
Other names: c.1417C>A, p.Gln473Lys (NM_001008844.3, NM_001319034.2, NM_001406591.1); short protein forms Q473K.
Identifiers: ClinVar variation 2630258 (VCV002630258.2), dbSNP rs2533884668, ClinGen allele CA362676862.
Genomic context (GRCh38, chr6:7,568,587, plus strand): 5'-CCAGACTACAGAAGCAATAAACCCATTATTCTCAGAGCTCTCTGTGACTACAAACAAGAT[C>A]AGGTGTGTACTCATTTAGAATGATACAAAAGTTTTCCCTGTCTTTACACACAAATTTTTG-3'
Protein context (NP_004406.2, residues 463-483): LRALCDYKQD[Gln473Lys]KIVHKGDECI

ClinVar aggregate classification (germline): Uncertain significance. Review status: criteria provided, multiple submitters, no conflicts (2 of 4 stars). 2 submissions from 2 submitters: Uncertain significance (2). Last evaluated 2023-10-19.

Conditions:
DSP-related disorder. Also called: DSP-related condition; DSP-related disorders.
Cardiovascular phenotype. Identifiers: MedGen CN230736.

Submissions (2):

Ambry Genetics
Classification: Uncertain significance for Cardiovascular phenotype. Last evaluated: 2023-10-19. Review status: criteria provided, single submitter. Criteria: Ambry Variant Classification Scheme 2023. Collection method: clinical testing. Allele origin: germline.
Comment: The p.Q473K variant (also known as c.1417C>A), located in coding exon 11 of the DSP gene, results from a C to A substitution at nucleotide position 1417. The glutamine at codon 473 is replaced by lysine, an amino acid with similar properties. This amino acid position is conserved. In addition, the in silico prediction for this alteration is inconclusive. Since supporting evidence is limited at this time, the clinical significance of this alteration remains unclear.

PreventionGenetics, part of Exact Sciences
Classification: Uncertain significance for DSP-related condition. Last evaluated: 2023-01-31. Review status: criteria provided, single submitter. Criteria: ACMG Guidelines, 2015. Collection method: clinical testing. Allele origin: germline.
Comment: The DSP c.1417C>A variant is predicted to result in the amino acid substitution p.Gln473Lys. To our knowledge, this variant has not been reported in the literature or in a large population database, indicating this variant is rare. At this time, the clinical significance of this variant is uncertain due to the absence of conclusive functional and genetic evidence.